The following is an entry in ClinVar:

NM_000631.5(NCF4):c.143_152dup (p.Lys52fs)

Genes: NCF4 (neutrophil cytosolic factor 4; plus strand), NCF4-AS1 (NCF4 antisense RNA 1; minus strand). Cytogenetic location: 22q12.3.
Variant type: Duplication.
Coding change: c.143_152dup on transcript NM_000631.5 (MANE Select); coding-DNA positions 143 to 152, 10 bases duplicated (AAGGAGGATC; older notation c.143_152dupAAGGAGGATC).
Protein change: p.Lys52fs; shifts the reading frame from lysine 52.
Molecular consequence: frameshift variant.
Genome position (GRCh38, 1-based): chr22:36,864,944-36,864,953, AAGGAGGATC duplicated. VCF-style (leftmost placement, unchanged base first): chr22-36864943-A-AAAGGAGGATC. GRCh37 (hg19) VCF-style: chr22-37260985-A-AAAGGAGGATC.
Other names: c.143_152dup, p.Lys52fs (NM_013416.4); short protein forms K52fs.
Identifiers: ClinVar variation 222998 (VCV000222998.5), dbSNP rs869025585, ClinGen allele CA356988.
Genomic context (GRCh38, chr22:36,864,943, plus strand): 5'-CCCCTGAGCCCTCCCCACAACCTCTGTCCTCCTTAGGTTTTCGTCATCGAGGTGAAGACA[A>AAAGGAGGATC]AAGGAGGATCCAAGTACCTCATCTACCGCCGCTACCGCCAGTTCCATGCTTTGCAGAGCA-3'

ClinVar aggregate classification (germline): Pathogenic. Review status: criteria provided, single submitter (1 of 4 stars). 2 submissions from 2 submitters: Pathogenic (1). 1 of the submissions does not count toward it. Last evaluated 2026-01-26.

Conditions:
Chronic granulomatous disease. Identifiers: Orphanet 379, MedGen C0018203, MONDO:0018305.
Granulomatous disease, chronic, autosomal recessive, cytochrome b-positive, type 3. Also called: Granulomatous disease, chronic, autosomal recessive, cytochrome b-positive, type III; CGD, AUTOSOMAL RECESSIVE CYTOCHROME b-POSITIVE, TYPE III; GRANULOMATOUS DISEASE, CHRONIC, AUTOSOMAL RECESSIVE, 3; GRANULOMATOUS DISEASE, CHRONIC, DUE TO NCF4 DEFICIENCY. Identifiers: Orphanet 379, MedGen C3151409, MONDO:0013507, OMIM 613960.

Allele frequency attached by ClinVar (database versions not stated): gnomAD exomes 0.00001; TOPMed 0.00001; ExAC 0.00002; gnomAD 0.00002.

Submissions (2):

Labcorp Genetics (formerly Invitae), Labcorp
Classification: Pathogenic for Granulomatous disease, chronic, autosomal recessive, cytochrome b-positive, type 3. Last evaluated: 2026-01-26. Review status: criteria provided, single submitter. Criteria: Invitae Variant Classification Sherloc (09022015). Collection method: clinical testing. Allele origin: germline.
Comment: This sequence change creates a premature translational stop signal (p.Lys52Argfs*79) in the NCF4 gene. It is expected to result in an absent or disrupted protein product. Loss-of-function variants in NCF4 are known to be pathogenic (PMID: 16880254, 19692703, 20167518). This variant is present in population databases (rs762209908, gnomAD 0.003%). This premature translational stop signal has been observed in individual(s) with chronic granulomatous disease (PMID: 19692703). This variant is also known as g.3957_3966dup . ClinVar contains an entry for this variant (Variation ID: 222998). For these reasons, this variant has been classified as Pathogenic.

GeneReviews
No classification provided. Condition: Chronic granulomatous disease. Review status: no classification provided. Collection method: literature only. Allele origin: germline. Affected: yes. Not counted in ClinVar's aggregate classification.

Literature cited by the submitters: PubMed 16880254 (cited by Labcorp Genetics (formerly Invitae), Labcorp); PubMed 19692703 (cited by Labcorp Genetics (formerly Invitae), Labcorp and GeneReviews); PubMed 20167518 (cited by Labcorp Genetics (formerly Invitae), Labcorp); NCBI Bookshelf NBK99496 (cited by GeneReviews).